The following is an entry in ClinVar:

NM_001382508.1(DROSHA):c.1963G>A (p.Asp655Asn)

Gene: DROSHA (drosha ribonuclease III; minus strand). Cytogenetic location: 5p13.3.
Variant type: single nucleotide variant.
Coding change: c.1963G>A on transcript NM_001382508.1 (MANE Select); coding-DNA position 1963, G replaced by A.
Protein change: p.Asp655Asn; replaces aspartic acid 655 with asparagine.
Molecular consequence: missense variant.
Genome position (GRCh38, 1-based): chr5:31,484,914, C>T on the plus strand (G>A on the coding strand, the complement: DROSHA is on the minus strand). VCF-style: chr5-31484914-C-T. GRCh37 (hg19) VCF-style: chr5-31485021-C-T.
Other names: c.1852G>A, p.Asp618Asn (NM_001100412.2); c.1963G>A, p.Asp655Asn (NM_013235.5); short protein forms D618N, D655N.
Identifiers: ClinVar variation 3344970 (VCV003344970.1).

ClinVar aggregate classification (germline): Uncertain significance (0 of 4 stars; one submission).

Conditions:
DROSHA-related disorder. Also called: DROSHA-related condition.

Submission:

PreventionGenetics, part of Exact Sciences
Classification: Uncertain significance for DROSHA-related condition. Last evaluated: 2024-04-17. Review status: no assertion criteria provided. Collection method: clinical testing. Allele origin: germline.
Comment: The DROSHA c.1963G>A variant is predicted to result in the amino acid substitution p.Asp655Asn. To our knowledge, this variant has not been reported in the literature or in a large population database, indicating this variant is rare. At this time, the clinical significance of this variant is uncertain due to the absence of conclusive functional and genetic evidence.